The following is an entry in ClinVar:

ClinVar aggregate classification (germline): Pathogenic. Review status: criteria provided, single submitter (1 of 4 stars). 2 submissions from 2 submitters: Pathogenic (1). 1 of the submissions does not count toward it. Last evaluated 2022-08-22.

Conditions:
Alkaptonuria (AKU). Also called: Alcaptonuria; HOMOGENTISIC ACID OXIDASE DEFICIENCY; Homogentisic acidura; Alkaptonuric ochronosis. Identifiers: Orphanet 56, MedGen C0002066, MONDO:0008753, OMIM 203500.

Submissions (2):

Labcorp Genetics (formerly Invitae), Labcorp
Classification: Pathogenic for Alkaptonuria. Last evaluated: 2022-08-22. Review status: criteria provided, single submitter. Criteria: Invitae Variant Classification Sherloc (09022015). Collection method: clinical testing. Allele origin: germline.
Comment: This sequence change creates a premature translational stop signal (p.Leu386Hisfs*18) in the HGD gene. While this is not anticipated to result in nonsense mediated decay, it is expected to disrupt the last 60 amino acid(s) of the HGD protein. For these reasons, this variant has been classified as Pathogenic. This variant disrupts a region of the HGD protein in which other variant(s) (p.Lys431Hisfs*11) have been determined to be pathogenic (PMID: 23430897, 25681086; Invitae). This suggests that this is a clinically significant region of the protein, and that variants that disrupt it are likely to be disease-causing. This variant has not been reported in the literature in individuals affected with HGD-related conditions. This variant is present in population databases (rs772802378, gnomAD 0.006%).

Department Of Human Genetics, Institute Of Clinical And Translational Research, Biomedical Research Center, Slovak Academy Of Sciences
Classification: Pathogenic for Alkaptonuria. Review status: no assertion criteria provided. Collection method: research. Allele origin: germline. Inheritance: Autosomal recessive inheritance. Affected: yes. Observed: 1 variant allele. Not counted in ClinVar's aggregate classification.
Comment: The variant was originally described in AKU patient in PMID:34686677. It has been submitted to the HGD gene mutation database (DB-ID: AKU_00247).

Literature cited by the submitters: PubMed 23430897 (cited by Labcorp Genetics (formerly Invitae), Labcorp); PubMed 25681086 (cited by Labcorp Genetics (formerly Invitae), Labcorp); PubMed 34686677 (cited by Department Of Human Genetics, Institute Of Clinical And Translational Research, Biomedical Research Center, Slovak Academy Of Sciences).

NM_000187.4(HGD):c.1157_1160del (p.Leu386fs)

Gene: HGD (homogentisate 1,2-dioxygenase; minus strand). Cytogenetic location: 3q13.33.
Variant type: Deletion.
Coding change: c.1157_1160del on transcript NM_000187.4 (MANE Select); coding-DNA positions 1157 to 1160, 4 bases deleted (TGGC; older notation c.1157_1160delTGGC).
Protein change: p.Leu386fs; shifts the reading frame from leucine 386.
Molecular consequence: frameshift variant.
Genome position (GRCh38, 1-based): chr3:120,633,175-120,633,178, GCCA deleted on the plus strand (TGGC on the coding strand, the reverse complement: HGD is on the minus strand); deleting any 4 consecutive bases within chr3:120,633,175-120,633,180 gives the same sequence; the c. name uses the placement nearest the transcript's 3' end. VCF-style (leftmost placement, unchanged base first): chr3-120633174-TGCCA-T. GRCh37 (hg19) VCF-style: chr3-120352021-TGCCA-T.
Other names: c.1157_1160delTGGC (NM_000187.4); short protein forms L386fs.
Identifiers: ClinVar variation 2026406 (VCV002026406.5), dbSNP rs772802378, ClinGen allele CA2559961.
Genomic context (GRCh38, chr3:120,633,174, plus strand): 5'-AGGCCGCTGGAATGTGGCAGTTAACATACTTACCATGGTGCCATCGGCAATCCTCTCAGG[TGCCA>T]GCTTGACCTTGCTGGCCTTCTCAAAGCAGTCAGCATCAGGTCCATGGGGGGTCATTGTGC-3'